The following is an entry in ClinVar:

ClinVar aggregate classification (germline): Pathogenic (1 of 4 stars; one submission).

Submission:

Labcorp Genetics (formerly Invitae), Labcorp
Classification: Pathogenic. Last evaluated: 2022-12-20. Review status: criteria provided, single submitter. Criteria: Invitae Variant Classification Sherloc (09022015). Collection method: clinical testing. Allele origin: unknown.
Comment: For these reasons, this variant has been classified as Pathogenic. This variant has not been reported in the literature in individuals affected with INPPL1-related conditions. This variant results in the deletion of exons 24 and 25 and part of exons 23 and 26 (c.2553_3251delinsCCAACAC) of the INPPL1 gene. This deletion is out-of-frame, and is expected to create a premature termination codon and result in an absent or disrupted protein product. Loss-of-function variants in INPPL1 are known to be pathogenic (PMID: 23273567, 23273569).

Literature cited by the submitters: PubMed 23273567; PubMed 23273569.

NC_000011.9:g.(?_71946389)_(71948539_?)del

Gene: INPPL1 (inositol polyphosphate phosphatase like 1; plus strand). Cytogenetic location: 11q13.4.
Variant type: Deletion.
Identifiers: ClinVar variation 3244742 (VCV003244742.1).